The following is an entry in ClinVar:

ClinVar aggregate classification (germline): Pathogenic/Likely pathogenic. Review status: criteria provided, multiple submitters, no conflicts (2 of 4 stars). 2 submissions from 2 submitters: Pathogenic (1); Likely pathogenic (1). Last evaluated 2023-11-09.

Conditions:
Spastic paraplegia. Identifiers: MedGen C0037772, HP:0001258.
Hereditary spastic paraplegia 15 (SPG15). Also called: SPASTIC PARAPLEGIA 15, AUTOSOMAL RECESSIVE; KJELLIN SYNDROME; SPASTIC PARAPLEGIA AND RETINAL DEGENERATION. Identifiers: Orphanet 100996, MedGen C1849128, MONDO:0010044, OMIM 270700.

Allele frequency attached by ClinVar (database versions not stated): gnomAD exomes below 0.00001.
gnomAD v4.1: 1 of 1,614,160 alleles (0.000062%); highest among the groups gnomAD compares: South Asian, 0.0011%; no homozygotes.

Submissions (2):

Labcorp Genetics (formerly Invitae), Labcorp
Classification: Pathogenic for Spastic paraplegia. Last evaluated: 2023-11-09. Review status: criteria provided, single submitter. Criteria: Invitae Variant Classification Sherloc (09022015). Collection method: clinical testing. Allele origin: germline.
Comment: This sequence change creates a premature translational stop signal (p.Gln944*) in the ZFYVE26 gene. It is expected to result in an absent or disrupted protein product. Loss-of-function variants in ZFYVE26 are known to be pathogenic (PMID: 18394578, 19805727). This variant is present in population databases (no rsID available, gnomAD 0.003%). This variant has not been reported in the literature in individuals affected with ZFYVE26-related conditions. ClinVar contains an entry for this variant (Variation ID: 1724121). For these reasons, this variant has been classified as Pathogenic.

Myriad Genetics, Inc.
Classification: Likely pathogenic for Hereditary spastic paraplegia 15. Last evaluated: 2021-11-05. Review status: criteria provided, single submitter. Criteria: Myriad Women's Health Autosomal Recessive and X-Linked Classification Criteria (2021). Collection method: clinical testing. Allele origin: unknown.
Comment: NM_015346.3(ZFYVE26):c.2830C>T(Q944*) is expected to be pathogenic in the context of spastic paraplegia type 15. This variant is predicted to lead to an abnormal or absent protein product due to the creation of a premature termination codon in ZFYVE26, a gene where loss-of-function variants are known to be pathogenic. Please note: this variant was assessed in the context of healthy population screening.

Literature cited by the submitters: PubMed 18394578 (cited by Labcorp Genetics (formerly Invitae), Labcorp); PubMed 19805727 (cited by Labcorp Genetics (formerly Invitae), Labcorp).

NM_015346.4(ZFYVE26):c.2830C>T (p.Gln944Ter)

Gene: ZFYVE26 (zinc finger FYVE-type containing 26; minus strand). Cytogenetic location: 14q24.1.
Variant type: single nucleotide variant.
Coding change: c.2830C>T on transcript NM_015346.4 (MANE Select); coding-DNA position 2830, C replaced by T.
Protein change: p.Gln944Ter; replaces glutamine 944 with a stop codon.
Molecular consequence: nonsense.
Genome position (GRCh38, 1-based): chr14:67,789,524, G>A on the plus strand (C>T on the coding strand, the complement: ZFYVE26 is on the minus strand). VCF-style: chr14-67789524-G-A. GRCh37 (hg19) VCF-style: chr14-68256241-G-A.
Other names: short protein forms Q944*.
Identifiers: ClinVar variation 1724121 (VCV001724121.5), dbSNP rs1406988642, ClinGen allele CA390173581.